The following is an entry in ClinVar:

ClinVar aggregate classification (germline): Benign/Likely benign. Review status: criteria provided, multiple submitters, no conflicts (2 of 4 stars). 6 submissions from 5 submitters: Benign (2); Likely benign (4). Last evaluated 2026-02-02.

Conditions:
Ectopia lentis et pupillae. Also called: ECTOPIA LENTIS WITH ECTOPIA OF PUPIL. Identifiers: Orphanet 1885, MedGen C1644196, MONDO:0009153, OMIM 225200.
Ectopia lentis 2, isolated, autosomal recessive (ECTOL2). Identifiers: Orphanet 1885, MedGen C3541474, MONDO:0009152, OMIM 225100.

Allele frequency attached by ClinVar (database versions not stated): ExAC 0.00428; gnomAD 0.01266; 1000 Genomes Project 0.01298; 1000 Genomes Project 30x 0.01327; TOPMed 0.01450; ESP Exome Variant Server 0.01476.
gnomAD v4.1: 4,037 of 1,614,084 alleles (0.25%); highest among the groups gnomAD compares: African/African-American, 4.6%; 84 homozygotes.

Submissions (6):

Labcorp Genetics (formerly Invitae), Labcorp
Classification: Benign. Last evaluated: 2026-02-02. Review status: criteria provided, single submitter. Criteria: Invitae Variant Classification Sherloc (09022015). Collection method: clinical testing. Allele origin: germline.

Genome-Nilou Lab
Classification: Likely benign for Ectopia lentis et pupillae. Last evaluated: 2023-04-11. Review status: criteria provided, single submitter. Criteria: ACMG Guidelines, 2015. Collection method: clinical testing. Allele origin: germline. Affected: no.

Genome-Nilou Lab
Classification: Likely benign for Ectopia lentis 2, isolated, autosomal recessive. Last evaluated: 2023-04-11. Review status: criteria provided, single submitter. Criteria: ACMG Guidelines, 2015. Collection method: clinical testing. Allele origin: germline. Affected: no.

GeneDx
Classification: Likely benign. Last evaluated: 2020-07-24. Review status: criteria provided, single submitter. Criteria: GeneDx Variant Classification Process June 2021. Collection method: clinical testing. Allele origin: germline. Affected: yes.

Illumina Laboratory Services, Illumina
Classification: Benign for Ectopia lentis 2, isolated, autosomal recessive. Last evaluated: 2018-01-13. Review status: criteria provided, single submitter. Criteria: ICSL Variant Classification Criteria 13 December 2019. Collection method: clinical testing. Allele origin: germline.
Comment: This variant was observed in the ICSL laboratory as part of a predisposition screen in an ostensibly healthy population. It had not been previously curated by ICSL or reported in the Human Gene Mutation Database (HGMD: prior to June 1st, 2018), and was therefore a candidate for classification through an automated scoring system. Utilizing variant allele frequency, disease prevalence and penetrance estimates, and inheritance mode, an automated score was calculated to assess if this variant is too frequent to cause the disease. Based on the score and internal cut-off values, a variant classified as benign is not then subjected to further curation. The score for this variant resulted in a classification of benign for this disease.

Breakthrough Genomics
Classification: Likely benign. Review status: criteria provided, single submitter. Criteria: ACMG Guidelines, 2015. Collection method: not provided. Allele origin: germline. Inheritance: Autosomal recessive inheritance. Affected: yes.

NM_019032.6(ADAMTSL4):c.3139C>A (p.Arg1047=)

Gene: ADAMTSL4 (ADAMTS like 4; plus strand). Cytogenetic location: 1q21.2.
Variant type: single nucleotide variant.
Coding change: c.3139C>A on transcript NM_019032.6 (MANE Select); coding-DNA position 3139, C replaced by A.
Protein change: p.Arg1047=; no amino-acid change (arginine 1047 retained).
Molecular consequence: synonymous variant.
Genome position (GRCh38, 1-based): chr1:150,560,110, C>A. VCF-style: chr1-150560110-C-A. GRCh37 (hg19) VCF-style: chr1-150532586-C-A.
Other names: c.3022C>A, p.Arg1008= (NM_001288607.2); c.3208C>A, p.Arg1070= (NM_001288608.2); c.3139C>A, p.Arg1047= (NM_001378596.1).
Identifiers: ClinVar variation 292566 (VCV000292566.17), dbSNP rs113799188, ClinGen allele CA1078964.
Genomic context (GRCh38, chr1:150,560,110, plus strand): 5'-CTGTCCCCAGATGATCAATGCAAGGACAGCTCTCCACATTGCCCCCTGGTGGTACAGGCC[C>A]GGCTCTGCGTCTACCCCTACTACACAGCCACCTGTTGCCGCTCTTGCGCACATGTCCTGG-3'
Protein context (NP_061905.2, residues 1037-1057): SPHCPLVVQA[Arg1047=]LCVYPYYTAT